The following is an entry in ClinVar:

ClinVar aggregate classification (germline): Benign/Likely benign. Review status: criteria provided, multiple submitters, no conflicts (2 of 4 stars). 5 submissions from 3 submitters: Benign (4); Likely benign (1). Last evaluated 2019-12-29.

Conditions:
Noonan syndrome 4 (NS4). Also called: NOONAN SYNDROME WITH PIGMENTED VILLONODULAR SYNOVITIS; SOS1-Related Noonan Syndrome. Identifiers: Orphanet 648, MedGen C1853120, MONDO:0012547, OMIM 610733.
Fibromatosis, gingival, 1 (GINGF1). Identifiers: Orphanet 2024, MedGen C4551558, MONDO:0007609, OMIM 135300.

Allele frequency attached by ClinVar (database versions not stated): gnomAD exomes 0.00009 and 0.00019; ExAC 0.00021; 1000 Genomes Project 30x 0.00047; gnomAD 0.00057 and 0.00060; 1000 Genomes Project 0.00060; TOPMed 0.00063; ESP Exome Variant Server 0.00069.
gnomAD v4.1: 216 of 1,612,078 alleles (0.013%); highest among the groups gnomAD compares: African/African-American, 0.19%; no homozygotes.

Submissions (5):

GeneDx
Classification: Benign. Last evaluated: 2019-12-29. Review status: criteria provided, single submitter. Criteria: GeneDx Variant Classification Process June 2021. Collection method: clinical testing. Allele origin: germline. Affected: yes.

Illumina Laboratory Services, Illumina
Classification: Benign for Fibromatosis, gingival, 1. Last evaluated: 2018-01-13. Review status: criteria provided, single submitter. Criteria: ICSL Variant Classification Criteria 13 December 2019. Collection method: clinical testing. Allele origin: germline.
Comment: This variant was observed in the ICSL laboratory as part of a predisposition screen in an ostensibly healthy population. It had not been previously curated by ICSL or reported in the Human Gene Mutation Database (HGMD: prior to June 1st, 2018), and was therefore a candidate for classification through an automated scoring system. Utilizing variant allele frequency, disease prevalence and penetrance estimates, and inheritance mode, an automated score was calculated to assess if this variant is too frequent to cause the disease. Based on the score and internal cut-off values, a variant classified as benign is not then subjected to further curation. The score for this variant resulted in a classification of benign for this disease.

Illumina Laboratory Services, Illumina
Classification: Likely benign for Noonan syndrome 4. Last evaluated: 2018-01-13. Review status: criteria provided, single submitter. Criteria: ICSL Variant Classification Criteria 13 December 2019. Collection method: clinical testing. Allele origin: germline.
Comment: This variant was observed in the ICSL laboratory as part of a predisposition screen in an ostensibly healthy population. It had not been previously curated by ICSL or reported in the Human Gene Mutation Database (HGMD: prior to June 1st, 2018), and was therefore a candidate for classification through an automated scoring system. Utilizing variant allele frequency, disease prevalence and penetrance estimates, and inheritance mode, an automated score was calculated to assess if this variant is too frequent to cause the disease. Based on the score and internal cut-off values, a variant classified as likely benign is not then subjected to further curation. The score for this variant resulted in a classification of likely benign for this disease.

Genome-Nilou Lab
Classification: Benign for Noonan syndrome 4. Review status: criteria provided, single submitter. Criteria: ACMG Guidelines, 2015. Collection method: clinical testing. Allele origin: germline.

Genome-Nilou Lab
Classification: Benign for Fibromatosis, gingival, 1. Review status: criteria provided, single submitter. Criteria: ACMG Guidelines, 2015. Collection method: clinical testing. Allele origin: germline.

NM_005633.4(SOS1):c.*44T>C

Gene: SOS1 (SOS Ras/Rac guanine nucleotide exchange factor 1; minus strand). Cytogenetic location: 2p22.1.
Variant type: single nucleotide variant.
Coding change: c.*44T>C on transcript NM_005633.4 (MANE Select); 44 bases downstream of the stop codon, T replaced by C.
Molecular consequence: 3 prime UTR variant.
Genome position (GRCh38, 1-based): chr2:38,985,780, A>G on the plus strand (T>C on the coding strand, the complement: SOS1 is on the minus strand). VCF-style: chr2-38985780-A-G. GRCh37 (hg19) VCF-style: chr2-39212921-A-G.
Other names: c.*44T>C (NM_001382394.1, NM_001382395.1).
Identifiers: ClinVar variation 895864 (VCV000895864.8), dbSNP rs182657531, ClinGen allele CA1624085.